The following is an entry in ClinVar:

NM_032043.3(BRIP1):c.-30-9C>T

Gene: BRIP1 (BRCA1 interacting DNA helicase 1; minus strand). Cytogenetic location: 17q23.2.
Variant type: single nucleotide variant.
Coding change: c.-30-9C>T on transcript NM_032043.3 (MANE Select); 9 bases into the intron before 30 bases upstream of the start codon, C replaced by T.
Molecular consequence: intron variant.
Genome position (GRCh38, 1-based): chr17:61,861,578, G>A on the plus strand (C>T on the coding strand, the complement: BRIP1 is on the minus strand). VCF-style: chr17-61861578-G-A. GRCh37 (hg19) VCF-style: chr17-59938939-G-A.
Identifiers: ClinVar variation 1232700 (VCV001232700.4), dbSNP rs537183380, ClinGen allele CA8691024.
Genomic context (GRCh38, chr17:61,861,578, plus strand): 5'-ATTCAGACCACATTGAAGACATAGTGCTTTCCTGTTTATTTCAGATTCCTAACTACAACA[G>A]AAATGAAAATGTCAAATATTGAGACACGCCTTACAAAGAAAACCAGAGAACCAAAACTAA-3'

ClinVar aggregate classification (germline): Conflicting classifications of pathogenicity. Review status: criteria provided, conflicting classifications (1 of 4 stars). 2 submissions from 2 submitters: Uncertain significance (1); Benign (1). Last evaluated 2021-12-13.

Conditions:
Hereditary cancer-predisposing syndrome. Also called: Neoplastic Syndromes, Hereditary; Tumor predisposition; Hereditary neoplastic syndrome; Hereditary Cancer Syndrome. Identifiers: Orphanet 140162, MedGen C0027672, MeSH D009386, MONDO:0015356.

Allele frequency attached by ClinVar (database versions not stated): gnomAD exomes 0.00003; ExAC 0.00006; TOPMed 0.00012; 1000 Genomes Project 30x 0.00031; 1000 Genomes Project 0.00040.
gnomAD v4.1: 50 of 1,460,750 alleles (0.0034%); highest among the groups gnomAD compares: African/African-American, 0.058%; no homozygotes.

Submissions (2):

Sema4
Classification: Uncertain significance for Hereditary cancer-predisposing syndrome. Last evaluated: 2021-12-13. Review status: criteria provided, single submitter. Criteria: Sema4 Curation Guidelines. Collection method: curation. Allele origin: germline.
Comment: The BRIP1 c.-30-9C>T variant has not been reported in the literature to our knowledge. This variant was observed in 12/24600 chromosomes of the African/African American supopulation, with no homozygotes, according to the Genome Aggregation Database (PMID: 32461654), and has been reported in ClinVar (Variation ID: 1232700). In silico tools that predict the effect of sequence changes on splicing suggest that this variant may not impact splicing, though these predictions have not been confirmed by functional studies. The evidence is insufficient to meet ACMG/AMP criteria for classifying the variant as benign or pathogenic. Thus, the clinical significance of this variant is currently uncertain.

GeneDx
Classification: Benign. Last evaluated: 2015-03-03. Review status: criteria provided, single submitter. Criteria: GeneDx Variant Classification Process June 2021. Collection method: clinical testing. Allele origin: germline. Affected: yes.